The following is an entry in ClinVar:

NM_000245.4(MET):c.3117C>G (p.Asp1039Glu)

Gene: MET (MET proto-oncogene, receptor tyrosine kinase; plus strand). Cytogenetic location: 7q31.2.
Variant type: single nucleotide variant.
Coding change: c.3117C>G on transcript NM_000245.4 (MANE Select); coding-DNA position 3117, C replaced by G.
Protein change: p.Asp1039Glu; replaces aspartic acid 1039 with glutamic acid.
Molecular consequence: missense variant.
Genome position (GRCh38, 1-based): chr7:116,774,969, C>G. VCF-style: chr7-116774969-C-G. GRCh37 (hg19) VCF-style: chr7-116415023-C-G.
Other names: c.3171C>G, p.Asp1057Glu (NM_001127500.3); c.1827C>G, p.Asp609Glu (NM_001324402.2); short protein forms D609E, D1039E, D1057E.
Identifiers: ClinVar variation 1038542 (VCV001038542.10), dbSNP rs575907920, ClinGen allele CA368988178.

ClinVar aggregate classification (germline): Uncertain significance. Review status: criteria provided, multiple submitters, no conflicts (2 of 4 stars). 2 submissions from 2 submitters: Uncertain significance (2). Last evaluated 2021-08-02.

Conditions:
Renal cell carcinoma. Identifiers: Orphanet 217071, MedGen C0007134, MeSH D002292, MONDO:0005086, HP:0005584.
Hereditary cancer-predisposing syndrome. Also called: Neoplastic Syndromes, Hereditary; Hereditary Cancer Syndrome; Tumor predisposition; Hereditary neoplastic syndrome. Identifiers: Orphanet 140162, MedGen C0027672, MeSH D009386, MONDO:0015356.

Allele frequency attached by ClinVar (database versions not stated): TOPMed 0.00001.

Submissions (2):

Ambry Genetics
Classification: Uncertain significance for Hereditary cancer-predisposing syndrome. Last evaluated: 2021-08-02. Review status: criteria provided, single submitter. Criteria: Ambry Variant Classification Scheme 2023. Collection method: clinical testing. Allele origin: germline.
Comment: The p.D1057E variant (also known as c.3171C>G), located in coding exon 14 of the MET gene, results from a C to G substitution at nucleotide position 3171. The aspartic acid at codon 1057 is replaced by glutamic acid, an amino acid with highly similar properties. In addition, this alteration is predicted to be tolerated by in silico analysis. Since supporting evidence is limited at this time, the clinical significance of this alteration remains unclear.

Labcorp Genetics (formerly Invitae), Labcorp
Classification: Uncertain significance for Renal cell carcinoma. Last evaluated: 2021-04-16. Review status: criteria provided, single submitter. Criteria: Invitae Variant Classification Sherloc (09022015). Collection method: clinical testing. Allele origin: germline.
Comment: This sequence change replaces aspartic acid with glutamic acid at codon 1057 of the MET protein (p.Asp1057Glu). The aspartic acid residue is moderately conserved and there is a small physicochemical difference between aspartic acid and glutamic acid. This variant is not present in population databases (ExAC no frequency). This variant has not been reported in the literature in individuals with MET-related conditions. Algorithms developed to predict the effect of missense changes on protein structure and function are either unavailable or do not agree on the potential impact of this missense change (SIFT: "Tolerated"; PolyPhen-2: "Probably Damaging"; Align-GVGD: "Class C0"). In summary, the available evidence is currently insufficient to determine the role of this variant in disease. Therefore, it has been classified as a Variant of Uncertain Significance.